The following is an entry in ClinVar:

NM_014550.4(CARD10):c.2485C>T (p.Arg829Trp)

Gene: CARD10 (caspase recruitment domain family member 10; minus strand). Cytogenetic location: 22q13.1.
Variant type: single nucleotide variant.
Coding change: c.2485C>T on transcript NM_014550.4 (MANE Select); coding-DNA position 2485, C replaced by T.
Protein change: p.Arg829Trp; replaces arginine 829 with tryptophan.
Molecular consequence: missense variant.
Genome position (GRCh38, 1-based): chr22:37,492,794, G>A on the plus strand (C>T on the coding strand, the complement: CARD10 is on the minus strand). VCF-style: chr22-37492794-G-A. GRCh37 (hg19) VCF-style: chr22-37888801-G-A.
Other names: short protein forms R829W.
Identifiers: ClinVar variation 224916 (VCV000224916.3), dbSNP rs201794655, ClinGen allele CA10219455.

ClinVar aggregate classification (germline): risk factor (0 of 4 stars; one submission).

Conditions:
Primary open angle glaucoma (POAG). Also called: OPTN-related open angle glaucoma. Identifiers: MedGen C0339573, MONDO:0100553, OMIM 137760.

Allele frequency attached by ClinVar (database versions not stated): gnomAD exomes 0.00014 and 0.00021; ESP Exome Variant Server 0.00015; gnomAD 0.00018 and 0.00019; TOPMed 0.00024; ExAC 0.00025; 1000 Genomes Project 0.00040; 1000 Genomes Project 30x 0.00062.
gnomAD v4.1: 236 of 1,611,244 alleles (0.015%); highest among the groups gnomAD compares: Middle Eastern, 0.13%; no homozygotes.

Submission:

Flinders Ophthalmology, Flinders University
Classification: risk factor for Primary open angle glaucoma. Last evaluated: 2016-03-29. Review status: no assertion criteria provided. Collection method: case-control. Allele origin: unknown. Affected: yes. Observed: 2 variant alleles.
Comment: GWAS associated gene CARD10

Literature cited by the submitters: PubMed 27896285.